The following is an entry in ClinVar:

NM_006648.4(WNK2):c.3502C>G (p.Arg1168Gly)

Gene: WNK2 (WNK lysine deficient protein kinase 2; plus strand). Cytogenetic location: 9q22.31.
Variant type: single nucleotide variant.
Coding change: c.3502C>G on transcript NM_006648.4 (MANE Select); coding-DNA position 3502, C replaced by G.
Protein change: p.Arg1168Gly; replaces arginine 1168 with glycine.
Molecular consequence: missense variant.
Genome position (GRCh38, 1-based): chr9:93,263,657, C>G. VCF-style: chr9-93263657-C-G. GRCh37 (hg19) VCF-style: chr9-96025939-C-G.
Other names: c.3502C>G, p.Arg1168Gly (NM_001282394.3); short protein forms R1168G.
Identifiers: ClinVar variation 4826260 (VCV004826260.1).
Genomic context (GRCh38, chr9:93,263,657, plus strand): 5'-GAGCTGAGTGACAGCTGTGAAGGCGCCTTTGGAGGGGGCAGGCTGGAGGGCAGGGCAGCC[C>G]GAAAACACCACCGCAGGTCCACGCGTGCGCGCTCCCGGCAGGAGAGGGCCAGCCGGCCCC-3'
Protein context (NP_006639.3, residues 1158-1178): GGGRLEGRAA[Arg1168Gly]KHHRRSTRAR

ClinVar aggregate classification (germline): Uncertain significance (1 of 4 stars; one submission).

gnomAD v4.1: 2 of 1,598,636 alleles (0.00013%); highest among the groups gnomAD compares: Non-Finnish European, 0.00017%; no homozygotes.

Submission:

Ambry Genetics
Classification: Uncertain significance. Last evaluated: 2026-03-12. Review status: criteria provided, single submitter. Criteria: Ambry Variant Classification Scheme 2023. Collection method: clinical testing. Allele origin: germline.
Comment: The p.R1168G variant (also known as c.3502C>G), located in coding exon 14 of the WNK2 gene, results from a C to G substitution at nucleotide position 3502. The arginine at codon 1168 is replaced by glycine, an amino acid with dissimilar properties. This amino acid position is conserved. In addition, this alteration is predicted to be tolerated by in silico analysis. Based on the available evidence, the clinical significance of this variant remains unclear.